The following is an entry in ClinVar:

NM_001379500.1(COL18A1):c.*852G>C

Genes: COL18A1 (collagen type XVIII alpha 1 chain; plus strand), SLC19A1 (solute carrier family 19 member 1; minus strand). Cytogenetic location: 21q22.3.
Variant type: single nucleotide variant.
Coding change: c.*852G>C on transcript NM_001379500.1 (MANE Select); 852 bases downstream of the stop codon, G replaced by C.
Molecular consequence: 3 prime UTR variant.
Genome position (GRCh38, 1-based): chr21:45,513,250, G>C. VCF-style: chr21-45513250-G-C. GRCh37 (hg19) VCF-style: chr21-46933164-G-C.
Other names: NM_130445.2:c.*852G>C; c.*2408C>G (NM_001352512.2, NM_194255.4, NM_001205207.3 and 1 more transcripts); c.*852G>C (NM_030582.4, NM_130444.3); c.*1726C>G (NM_001205206.4, NM_001352511.3).
Identifiers: ClinVar variation 340296 (VCV000340296.5), dbSNP rs17004786, ClinGen allele CA10650679.

ClinVar aggregate classification (germline): Benign (1 of 4 stars; one submission).

Conditions:
Knobloch syndrome (KNO). Also called: RETINAL DETACHMENT AND OCCIPITAL ENCEPHALOCELE; Myopia retinal detachment encephalocele. Identifiers: Orphanet 1571, MedGen C1849409, MONDO:0800166.

Allele frequency attached by ClinVar (database versions not stated): 1000 Genomes Project 0.02256; 1000 Genomes Project 30x 0.02452; TOPMed 0.02642.

Submission:

Illumina Laboratory Services, Illumina
Classification: Benign for Knobloch syndrome 1. Last evaluated: 2018-01-12. Review status: criteria provided, single submitter. Criteria: ICSL Variant Classification Criteria 13 December 2019. Collection method: clinical testing. Allele origin: germline.
Comment: This variant was observed in the ICSL laboratory as part of a predisposition screen in an ostensibly healthy population. It had not been previously curated by ICSL or reported in the Human Gene Mutation Database (HGMD: prior to June 1st, 2018), and was therefore a candidate for classification through an automated scoring system. Utilizing variant allele frequency, disease prevalence and penetrance estimates, and inheritance mode, an automated score was calculated to assess if this variant is too frequent to cause the disease. Based on the score and internal cut-off values, a variant classified as benign is not then subjected to further curation. The score for this variant resulted in a classification of benign for this disease.